The following is an entry in ClinVar:

ClinVar aggregate classification (germline): Pathogenic. Review status: criteria provided, multiple submitters, no conflicts (2 of 4 stars). 3 submissions from 3 submitters: Pathogenic (3). Last evaluated 2026-09-08.

Conditions:
Fabry disease. Also called: GLA DEFICIENCY; HEREDITARY DYSTOPIC LIPIDOSIS; Fabry's disease; Angiokeratoma corporis diffusum; Ceramide trihexosidosis; ALPHA-GALACTOSIDASE A DEFICIENCY. Identifiers: Orphanet 324, MedGen C0002986, MONDO:0010526, OMIM 301500, HP:0001071. Disease mechanism: loss of function, Fabry disease is due to inactivating mutations in the X-linked GLA gene resulting in deficiency of the enzyme Alpha Galactosidase-A..

Submissions (3):

Genomenon, Inc
Classification: Pathogenic for Fabry disease. Last evaluated: 2026-09-08. Review status: criteria provided, single submitter. Criteria: Genomenon Sequence Variant Interpretation Standards - Updated. Collection method: curation. Allele origin: germline. Affected: yes.
Comment: GLA p.Cys56Tyr (c.167G>A) is a missense variant that changes the amino acid at codon 56 from Cysteine to Tyrosine. This variant has been observed in at least one proband with clinical features consistent with Fabry disease (PMID:8875188;12938095;19631563;32813676). At least one functional study has demonstrated a substantial alteration in protein function relative to the wild-type (PMID:32023956;31036492;26415523;27657681). This variant is located in a mutational hotspot and/or important functional domain. It is absent or not present at a significant frequency in gnomAD. In silico models predict that this variant is possibly or probably damaging. In conclusion, we classify GLA p.Cys56Tyr (c.167G>A) as a pathogenic variant.

Labcorp Genetics (formerly Invitae), Labcorp
Classification: Pathogenic for Fabry disease. Last evaluated: 2023-10-03. Review status: criteria provided, single submitter. Criteria: Invitae Variant Classification Sherloc (09022015). Collection method: clinical testing. Allele origin: germline.
Comment: This sequence change replaces cysteine, which is neutral and slightly polar, with tyrosine, which is neutral and polar, at codon 56 of the GLA protein (p.Cys56Tyr). This variant is not present in population databases (gnomAD no frequency). This missense change has been observed in individual(s) with clinical features of Fabry disease (PMID: 8875188, 23935525; Invitae). ClinVar contains an entry for this variant (Variation ID: 222186). Advanced modeling of protein sequence and biophysical properties (such as structural, functional, and spatial information, amino acid conservation, physicochemical variation, residue mobility, and thermodynamic stability) performed at Invitae indicates that this missense variant is expected to disrupt GLA protein function. Experimental studies have shown that this missense change affects GLA function (PMID: 26415523). For these reasons, this variant has been classified as Pathogenic.

Women's Health and Genetics/Laboratory Corporation of America, LabCorp
Classification: Pathogenic for Fabry disease. Last evaluated: 2022-08-09. Review status: criteria provided, single submitter. Criteria: LabCorp Variant Classification Summary - May 2015. Collection method: clinical testing. Allele origin: germline.
Comment: Variant summary: GLA c.167G>A (p.Cys56Tyr) results in a non-conservative amino acid change in the encoded protein sequence. Five of five in-silico tools predict a damaging effect of the variant on protein function. The variant was absent in 183298 control chromosomes. c.167G>A has been reported in the literature in individuals affected with Fabry Disease, and was presumed de novo in at least one case (eg. Davies_1996, Rodrguez-Mari_2003, etc). The variant was reported to have completely absent enzyme activity and was non-responsive to DGJ (Lukas_2016). Additionally, other variants at the same codon have been reported in association with Fabry disease in HGMD (C56S, C56F, C56G, C56R). One clinical diagnostic laboratory has submitted clinical-significance assessments for this variant to ClinVar after 2014 without evidence for independent evaluation. One laboratory classified the variant as likely pathogenic. Based on the evidence outlined above, the variant was classified as pathogenic.

Literature cited by the submitters: PubMed 8875188 (cited by 3 submitters); PubMed 12938095 (cited by Genomenon, Inc and Women's Health and Genetics/Laboratory Corporation of America, LabCorp); PubMed 19631563 (cited by Genomenon, Inc); PubMed 32813676 (cited by Genomenon, Inc); PubMed 32023956 (cited by Genomenon, Inc and Women's Health and Genetics/Laboratory Corporation of America, LabCorp); PubMed 31036492 (cited by Genomenon, Inc); PubMed 26415523 (cited by Genomenon, Inc and Labcorp Genetics (formerly Invitae), Labcorp); PubMed 27657681 (cited by Genomenon, Inc); PubMed 23935525 (cited by Labcorp Genetics (formerly Invitae), Labcorp).

NM_000169.3(GLA):c.167G>A (p.Cys56Tyr)

Genes: GLA (galactosidase alpha; minus strand), RPL36A-HNRNPH2 (RPL36A-HNRNPH2 readthrough; plus strand). Cytogenetic location: Xq22.1.
Variant type: single nucleotide variant.
Coding change: c.167G>A on transcript NM_000169.3 (MANE Select); coding-DNA position 167, G replaced by A.
Protein change: p.Cys56Tyr; replaces cysteine 56 with tyrosine.
Molecular consequence: missense variant. On other transcripts: non-coding transcript variant (3), intron variant (2).
Genome position (GRCh38, 1-based): chrX:101,407,737, C>T on the plus strand (G>A on the coding strand, the complement: GLA is on the minus strand). VCF-style: chrX-101407737-C-T. GRCh37 (hg19) VCF-style: chrX-100662725-C-T.
Other names: c.167G>A, p.Cys56Tyr (NM_001406747.1, NM_001406748.1, NM_001406749.1); c.301-4199C>T (NM_001199973.2); c.178-4199C>T (NM_001199974.2); short protein forms C56Y.
Identifiers: ClinVar variation 222186 (VCV000222186.12), dbSNP rs869312258, ClinGen allele CA352477.
Genomic context (GRCh38, chrX:101,407,737, plus strand): 5'-AGCAAAGGGAAGGGAGTACCCAATATCTGATACCTGATGCAGGAATCTGGCTCTTCCTGG[C>T]AGTCAAGGTTGCACATGAAGCGCTCCCAGTGCAGCCAGCCCATGGTAGGCGTCCTTGCCA-3'
Protein context (NP_000160.1, residues 46-66): HWERFMCNLD[Cys56Tyr]QEEPDSCISE